The following is an entry in ClinVar:

ClinVar aggregate classification (germline): Uncertain significance (1 of 4 stars; one submission).

Allele frequency attached by ClinVar (database versions not stated): 1000 Genomes Project 30x 0.00016; 1000 Genomes Project 0.00020; ESP Exome Variant Server 0.00047; gnomAD exomes 0.00064 and 0.00102; gnomAD 0.00088 and 0.00093; TOPMed 0.00101; ExAC 0.00113.

Submission:

Labcorp Genetics (formerly Invitae), Labcorp
Classification: Uncertain significance. Last evaluated: 2026-01-09. Review status: criteria provided, single submitter. Criteria: Invitae Variant Classification Sherloc (09022015). Collection method: clinical testing. Allele origin: germline.
Comment: This sequence change replaces arginine, which is basic and polar, with cysteine, which is neutral and slightly polar, at codon 148 of the FGFRL1 protein (p.Arg148Cys). This variant is present in population databases (rs201696860, gnomAD 0.1%), and has an allele count higher than expected for a pathogenic variant. This variant has not been reported in the literature in individuals affected with FGFRL1-related conditions. ClinVar contains an entry for this variant (Variation ID: 1014653). An algorithm developed to predict the effect of missense changes on protein structure and function (PolyPhen-2) suggests that this variant is likely to be disruptive. In summary, the available evidence is currently insufficient to determine the role of this variant in disease. Therefore, it has been classified as a Variant of Uncertain Significance.

NM_001004356.3(FGFRL1):c.442C>T (p.Arg148Cys)

Gene: FGFRL1 (fibroblast growth factor receptor like 1; plus strand). Cytogenetic location: 4p16.3.
Variant type: single nucleotide variant.
Coding change: c.442C>T on transcript NM_001004356.3 (MANE Select); coding-DNA position 442, C replaced by T.
Protein change: p.Arg148Cys; replaces arginine 148 with cysteine.
Molecular consequence: missense variant.
Genome position (GRCh38, 1-based): chr4:1,023,825, C>T. VCF-style: chr4-1023825-C-T. GRCh37 (hg19) VCF-style: chr4-1017613-C-T.
Other names: c.442C>T, p.Arg148Cys (NM_001004358.1, NM_001370296.1, NM_021923.3); short protein forms R148C.
Identifiers: ClinVar variation 1014653 (VCV001014653.5), dbSNP rs201696860, ClinGen allele CA2802737.